The following is an entry in ClinVar:

ClinVar aggregate classification (germline): Uncertain significance (1 of 4 stars; one submission).

Submission:

Laboratory for Molecular Medicine, Mass General Brigham Personalized Medicine
Classification: Uncertain significance. Last evaluated: 2014-11-10. Review status: criteria provided, single submitter. Criteria: LMM Criteria. Collection method: clinical testing. Allele origin: germline. Observed: 1 variant allele.
Comment: The p.Glu4316Lys variant in TTN has not been previously reported in individuals with cardiomyopathy and was absent from large population studies. Computational prediction tools and conservation analysis are limited or unavailable for this v ariant. In summary, the clinical significance of the p.Glu4316Lys variant is unc ertain.

NM_133379.5(TTN):c.12946G>A (p.Glu4316Lys)

Gene: TTN (titin; minus strand). Cytogenetic location: 2q31.2.
Variant type: single nucleotide variant.
Coding change: c.12946G>A on transcript NM_133379.5 (MANE Plus Clinical); coding-DNA position 12946, G replaced by A.
Protein change: p.Glu4316Lys; replaces glutamic acid 4316 with lysine.
Molecular consequence: missense variant. On other transcripts: intron variant (6).
Genome position (GRCh38, 1-based): chr2:178,749,454, C>T on the plus strand (G>A on the coding strand, the complement: TTN is on the minus strand). VCF-style: chr2-178749454-C-T. GRCh37 (hg19) VCF-style: chr2-179614181-C-T.
Other names: c.10222+3670G>A (NM_003319.4); c.10798+3670G>A (NM_133437.4); c.10597+3670G>A (NM_133432.3); c.10360+3670G>A (NM_133378.4, NM_001256850.1); c.11311+3670G>A (NM_001267550.2); short protein forms E4316K.
Identifiers: ClinVar variation 166267 (VCV000166267.5), dbSNP rs727503667, ClinGen allele CA179118.